The following is an entry in ClinVar:

NM_001184.4(ATR):c.1177T>G (p.Leu393Val)

Gene: ATR (ATR checkpoint kinase; minus strand). Cytogenetic location: 3q23.
Variant type: single nucleotide variant.
Coding change: c.1177T>G on transcript NM_001184.4 (MANE Select); coding-DNA position 1177, T replaced by G.
Protein change: p.Leu393Val; replaces leucine 393 with valine.
Molecular consequence: missense variant.
Genome position (GRCh38, 1-based): chr3:142,561,415, A>C on the plus strand (T>G on the coding strand, the complement: ATR is on the minus strand). VCF-style: chr3-142561415-A-C. GRCh37 (hg19) VCF-style: chr3-142280257-A-C.
Other names: c.1177T>G, p.Leu393Val (NM_001354579.2); short protein forms L393V.
Identifiers: ClinVar variation 1741149 (VCV001741149.4), dbSNP rs765267361, ClinGen allele CA2650655.

ClinVar aggregate classification (germline): Uncertain significance. Review status: criteria provided, multiple submitters, no conflicts (2 of 4 stars). 2 submissions from 2 submitters: Uncertain significance (2). Last evaluated 2025-01-22.

Conditions:
Inborn genetic diseases. Identifiers: MedGen C0950123, MeSH D030342.

Allele frequency attached by ClinVar (database versions not stated): gnomAD exomes below 0.00001; ExAC 0.00002.
gnomAD v4.1: 2 of 1,613,598 alleles (0.00012%); highest among the groups gnomAD compares: Admixed American, 0.0033%; no homozygotes.

Submissions (2):

Labcorp Genetics (formerly Invitae), Labcorp
Classification: Uncertain significance. Last evaluated: 2025-01-22. Review status: criteria provided, single submitter. Criteria: Invitae Variant Classification Sherloc (09022015). Collection method: clinical testing. Allele origin: germline.
Comment: This sequence change replaces leucine, which is neutral and non-polar, with valine, which is neutral and non-polar, at codon 393 of the ATR protein (p.Leu393Val). This variant is present in population databases (rs765267361, gnomAD 0.006%). This variant has not been reported in the literature in individuals affected with ATR-related conditions. ClinVar contains an entry for this variant (Variation ID: 1741149). An algorithm developed to predict the effect of missense changes on protein structure and function (PolyPhen-2) suggests that this variant¬†is likely to be tolerated. In summary, the available evidence is currently insufficient to determine the role of this variant in disease. Therefore, it has been classified as a Variant of Uncertain Significance.

Ambry Genetics
Classification: Uncertain significance for Inborn genetic diseases. Last evaluated: 2024-06-23. Review status: criteria provided, single submitter. Criteria: Ambry Variant Classification Scheme 2023. Collection method: clinical testing. Allele origin: germline.
Comment: The p.L393V variant (also known as c.1177T>G), located in coding exon 5 of the ATR gene, results from a T to G substitution at nucleotide position 1177. The leucine at codon 393 is replaced by valine, an amino acid with highly similar properties. This amino acid position is conserved. In addition, this alteration is predicted to be tolerated by in silico analysis. Since supporting evidence is limited at this time, the clinical significance of this alteration remains unclear.